The following is an entry in ClinVar:

ClinVar aggregate classification (germline): Uncertain significance (1 of 4 stars; one submission).

Conditions:
Cardiovascular phenotype. Identifiers: MedGen CN230736.

Allele frequency attached by ClinVar (database versions not stated): gnomAD exomes below 0.00001; TOPMed below 0.00001; ExAC 0.00002.

Submission:

Ambry Genetics
Classification: Uncertain significance for Cardiovascular phenotype. Last evaluated: 2023-03-06. Review status: criteria provided, single submitter. Criteria: Ambry Variant Classification Scheme 2023. Collection method: clinical testing. Allele origin: germline.
Comment: The c.510+3G>A intronic variant results from a G to A substitution 3 nucleotides after coding exon 4 in the TBX5 gene. This nucleotide position is poorly conserved in available vertebrate species. In silico splice site analysis predicts that this alteration will not have any significant effect on splicing. Since supporting evidence is limited at this time, the clinical significance of this alteration remains unclear.

NM_181486.4(TBX5):c.510+3G>A

Gene: TBX5 (T-box transcription factor 5; minus strand). Cytogenetic location: 12q24.21.
Variant type: single nucleotide variant.
Coding change: c.510+3G>A on transcript NM_181486.4 (MANE Select); 3 bases into the intron after coding-DNA position 510, G replaced by A.
Molecular consequence: intron variant.
Genome position (GRCh38, 1-based): chr12:114,398,570, C>T on the plus strand (G>A on the coding strand, the complement: TBX5 is on the minus strand). VCF-style: chr12-114398570-C-T. GRCh37 (hg19) VCF-style: chr12-114836375-C-T.
Other names: c.360+3G>A (NM_080717.4); c.510+3G>A (NM_000192.3).
Identifiers: ClinVar variation 2448158 (VCV002448158.2), dbSNP rs779756008, ClinGen allele CA6809599.
Genomic context (GRCh38, chr12:114,398,570, plus strand): 5'-GTGAGAAGAAGGGAGAGAGGACAAGAGGGAGACAAGGCGGGGAATCCAGGCCACGGTACT[C>T]ACATGCCCAAATGGGTCCAGGTGGTTGTTGGTGAGCTTGAGTTTCTGGAAGGAGACGAGC-3'